The following is an entry in ClinVar:

ClinVar aggregate classification (germline): Pathogenic (1 of 4 stars; one submission).

Conditions:
Alkaptonuria (AKU). Also called: HOMOGENTISIC ACID OXIDASE DEFICIENCY; Alcaptonuria; Homogentisic acidura; Alkaptonuric ochronosis. Identifiers: Orphanet 56, MedGen C0002066, MONDO:0008753, OMIM 203500.

Submission:

Myriad Genetics, Inc.
Classification: Pathogenic for Alkaptonuria. Last evaluated: 2024-05-04. Review status: criteria provided, single submitter. Criteria: Myriad Autosomal Dominant, Autosomal Recessive and X-Linked Classification Criteria (2023). Collection method: clinical testing. Allele origin: unknown.
Comment: NM_000187.3(HGD):c.293_297del5(K98Ifs*2) is expected to be pathogenic in the context of alkaptonuria. This variant is predicted to lead to an abnormal or absent protein product due to the creation of a premature termination codon in HGD, a gene where loss-of-function variants are known to be pathogenic. Please note: this variant was assessed in the context of healthy population screening.

NM_000187.4(HGD):c.293_297del (p.Lys98fs)

Gene: HGD (homogentisate 1,2-dioxygenase; minus strand). Cytogenetic location: 3q13.33.
Variant type: Deletion.
Coding change: c.293_297del on transcript NM_000187.4 (MANE Select); coding-DNA positions 293 to 297, 5 bases deleted (AACCA; older notation c.293_297delAACCA).
Protein change: p.Lys98fs; shifts the reading frame from lysine 98.
Molecular consequence: frameshift variant.
Genome position (GRCh38, 1-based): chr3:120,652,637-120,652,641, TGGTT deleted on the plus strand (AACCA on the coding strand, the reverse complement: HGD is on the minus strand); deleting any 5 consecutive bases within chr3:120,652,637-120,652,642 gives the same sequence; the c. name uses the placement nearest the transcript's 3' end. VCF-style (leftmost placement, unchanged base first): chr3-120652636-ATGGTT-A. GRCh37 (hg19) VCF-style: chr3-120371483-ATGGTT-A.
Other names: short protein forms K98fs.
Identifiers: ClinVar variation 5013005 (VCV005013005.1).
Genomic context (GRCh38, chr3:120,652,636, plus strand): 5'-GATGGGACTGACTTACACTCACAAAGTCTACTTTCTTCTGAGATGCTTTTGGAATCTCAA[ATGGTT>A]TCCATCTAAGCTGGAAAAAAAATACACATACAGAAAAATTACTTCACAAGGGTAAACCAT-3'